The following is an entry in ClinVar:

ClinVar aggregate classification (germline): Uncertain significance. Review status: criteria provided, multiple submitters, no conflicts (2 of 4 stars). 5 submissions from 5 submitters: Uncertain significance (4). 1 of the submissions does not count toward it. Last evaluated 2025-06-29.

Conditions:
Hereditary cancer-predisposing syndrome. Also called: Hereditary Cancer Syndrome; Neoplastic Syndromes, Hereditary; Hereditary neoplastic syndrome; Tumor predisposition. Identifiers: Orphanet 140162, MedGen C0027672, MeSH D009386, MONDO:0015356.
Hereditary breast ovarian cancer syndrome. Also called: Breast and ovarian cancer; Hereditary breast and/or ovarian cancer syndrome; Hereditary breast and ovarian cancer; Hereditary breast and ovarian cancer syndrome; Hereditary breast and ovarian cancer syndrome (HBOC); BRCA1- and BRCA2-Associated Hereditary Breast and Ovarian Cancer. Identifiers: Orphanet 145, MedGen C0677776, MeSH D061325, MONDO:0003582. Disease mechanism: loss of function.
Breast-ovarian cancer, familial, susceptibility to, 2 (BROVCA2). Also called: BRCA2 Hereditary Breast and Ovarian Cancer. Identifiers: Orphanet 145, MedGen C2675520, MONDO:0012933, OMIM 612555. Disease mechanism: loss of function.

Allele frequency attached by ClinVar (database versions not stated): gnomAD exomes below 0.00001 and 0.00001; ExAC 0.00001.
gnomAD v4.1: 6 of 1,613,870 alleles (0.00037%); highest among the groups gnomAD compares: Admixed American, 0.0033%; no homozygotes.

Submissions (5):

Labcorp Genetics (formerly Invitae), Labcorp
Classification: Uncertain significance for Hereditary breast ovarian cancer syndrome. Last evaluated: 2025-06-29. Review status: criteria provided, single submitter. Criteria: Invitae Variant Classification Sherloc (09022015). Collection method: clinical testing. Allele origin: germline.
Comment: This sequence change replaces serine, which is neutral and polar, with cysteine, which is neutral and slightly polar, at codon 2358 of the BRCA2 protein (p.Ser2358Cys). This variant is present in population databases (rs431825349, gnomAD 0.006%). This missense change has been observed in individual(s) with breast cancer (PMID: 25186627). ClinVar contains an entry for this variant (Variation ID: 96847). Invitae Evidence Modeling of protein sequence and biophysical properties (such as structural, functional, and spatial information, amino acid conservation, physicochemical variation, residue mobility, and thermodynamic stability) indicates that this missense variant is not expected to disrupt BRCA2 protein function with a negative predictive value of 95%. In summary, the available evidence is currently insufficient to determine the role of this variant in disease. Therefore, it has been classified as a Variant of Uncertain Significance.

Ambry Genetics
Classification: Uncertain significance for Hereditary cancer-predisposing syndrome. Last evaluated: 2025-02-15. Review status: criteria provided, single submitter. Criteria: Ambry Variant Classification Scheme 2023. Collection method: clinical testing. Allele origin: germline.
Comment: The p.S2358C variant (also known as c.7073C>G), located in coding exon 13 of the BRCA2 gene, results from a C to G substitution at nucleotide position 7073. The serine at codon 2358 is replaced by cysteine, an amino acid with dissimilar properties. This amino acid position is well conserved in available vertebrate species. In addition, the in silico prediction for this alteration is inconclusive. Since supporting evidence is limited at this time, the clinical significance of this alteration remains unclear.

Color Diagnostics, LLC DBA Color Health
Classification: Uncertain significance for Hereditary cancer-predisposing syndrome. Last evaluated: 2024-08-13. Review status: criteria provided, single submitter. Criteria: ACMG Guidelines, 2015. Collection method: clinical testing. Allele origin: germline.
Comment: This missense variant replaces serine with cysteine at codon 2358 of the BRCA2 protein. Computational prediction suggests that this variant may not impact protein structure and function. A functional study reported that this variant does not impact BRCA2 function in growth and cisplatin and PARP inhibitor sensitivity assays in mouse embryonic stem cells (PMID: 37922907). This variant has been reported in an individual affected with breast cancer (PMID: 25186627) and a multifactorial analysis has reported a likelihood ratio based on personal and family history of 4.324 from log(LR)=0.635905564 (PMID: 31853058). This variant has been identified in 2/250962 chromosomes in the general population by the Genome Aggregation Database (gnomAD). The available evidence is insufficient to determine the role of this variant in disease conclusively. Therefore, this variant is classified as a Variant of Uncertain Significance.

Quest Diagnostics Nichols Institute San Juan Capistrano
Classification: Uncertain significance. Last evaluated: 2022-09-07. Review status: criteria provided, single submitter. Criteria: Quest Diagnostics criteria. Collection method: clinical testing. Allele origin: unknown.
Comment: The frequency of this variant in the general population, 0.000008 (2/250962 chromosomes), is uninformative in assessment of its pathogenicity. To the best of our knowledge, the variant has not been reported in individuals with BRC2 related conditions in the published literature. Analysis of this variant using bioinformatics tools for the prediction of the effect of amino acid changes on protein structure and function yielded conflicting predictions that this variant is benign or damaging.

Sharing Clinical Reports Project (SCRP)
Classification: Uncertain significance for Breast-ovarian cancer, familial 2. Last evaluated: 2012-05-01. Review status: no assertion criteria provided. Collection method: clinical testing. Allele origin: germline. Not counted in ClinVar's aggregate classification.

Literature cited by the submitters: PubMed 25186627 (cited by Labcorp Genetics (formerly Invitae), Labcorp and Color Diagnostics, LLC DBA Color Health); PubMed 31853058 (cited by Color Diagnostics, LLC DBA Color Health); PubMed 37922907 (cited by Color Diagnostics, LLC DBA Color Health); PubMed 31191615 (cited by Quest Diagnostics Nichols Institute San Juan Capistrano).

NM_000059.4(BRCA2):c.7073C>G (p.Ser2358Cys)

Gene: BRCA2 (BRCA2 DNA repair associated; plus strand). Cytogenetic location: 13q13.1.
Variant type: single nucleotide variant.
Coding change: c.7073C>G on transcript NM_000059.4 (MANE Select); coding-DNA position 7073, C replaced by G.
Protein change: p.Ser2358Cys; replaces serine 2358 with cysteine.
Molecular consequence: missense variant.
Genome position (GRCh38, 1-based): chr13:32,354,926, C>G. VCF-style: chr13-32354926-C-G. GRCh37 (hg19) VCF-style: chr13-32929063-C-G.
Other names: 7301C>G; short protein forms S2358C.
Identifiers: ClinVar variation 96847 (VCV000096847.18), dbSNP rs431825349, ClinGen allele CA024841.
Genomic context (GRCh38, chr13:32,354,926, plus strand): 5'-CTAAGGAACGTCAAGAGATACAGAATCCAAATTTTACCGCACCTGGTCAAGAATTTCTGT[C>G]TAAATCTCATTTGTATGAACATCTGACTTTGGAAAAATCTTCAAGCAATTTAGCAGTTTC-3'
Protein context (NP_000050.3, residues 2348-2368): NFTAPGQEFL[Ser2358Cys]KSHLYEHLTL